The following is an entry in ClinVar:

ClinVar aggregate classification (germline): Likely benign (1 of 4 stars; one submission).

Submission:

CeGaT Center for Human Genetics Tuebingen
Classification: Likely benign. Last evaluated: 2025-01-01. Review status: criteria provided, single submitter. Criteria: CeGaT Center For Human Genetics Tuebingen Variant Classification Criteria Version 2. Collection method: clinical testing. Allele origin: germline. Affected: yes. Observed: 1 variant allele.
Comment: ITPR1: PM2:Supporting, BP4, BP7

NM_001378452.1(ITPR1):c.7863C>T (p.Ile2621=)

Genes: ITPR1 (inositol 1,4,5-trisphosphate receptor type 1; plus strand), LOC126806590 (MED14-independent group 3 enhancer GRCh37_chr3:4855759-4856958; plus strand). Cytogenetic location: 3p26.1.
Variant type: single nucleotide variant.
Coding change: c.7863C>T on transcript NM_001378452.1 (MANE Select); coding-DNA position 7863, C replaced by T.
Protein change: p.Ile2621=; no amino-acid change (isoleucine 2621 retained).
Molecular consequence: synonymous variant.
Genome position (GRCh38, 1-based): chr3:4,815,214, C>T. VCF-style: chr3-4815214-C-T. GRCh37 (hg19) VCF-style: chr3-4856898-C-T.
Other names: c.7719C>T, p.Ile2573= (NM_001099952.4); c.7818C>T, p.Ile2606= (NM_001168272.2); c.7674C>T, p.Ile2558= (NM_002222.7).
Identifiers: ClinVar variation 3772294 (VCV003772294.13).
Genomic context (GRCh38, chr3:4,815,214, plus strand): 5'-TGCTGACCTGAGGAGTGAGAAGCAGAAGAAGGAAGAGATCTTGAAGACCACGTGCTTTAT[C>T]TGTGGTGAGTGTCGCTGGCCAGCTCCAGCAAGGGCGTGAAGGCCCAGCGTGGCAGAGGCA-3'
Protein context (NP_001365381.1, residues 2611-2631): KEEILKTTCF[Ile2621=]CGLERDKFDN